The following is an entry in ClinVar:

ClinVar aggregate classification (germline): Uncertain significance (1 of 4 stars; one submission).

Conditions:
Microcephaly-intellectual disability-sensorineural hearing loss-epilepsy-abnormal muscle tone syndrome (NEDHSB). Also called: NEURODEVELOPMENTAL DISORDER WITH HEARING LOSS, SEIZURES, AND BRAIN ABNORMALITIES. Identifiers: Orphanet 457351, MedGen C4225276, MONDO:0014698, OMIM 616577.

Allele frequency attached by ClinVar (database versions not stated): gnomAD 0.00001; TOPMed 0.00001.
gnomAD v4.1: 11 of 1,612,502 alleles (0.00068%); highest among the groups gnomAD compares: African/African-American, 0.004%; no homozygotes.

Submission:

Labcorp Genetics (formerly Invitae), Labcorp
Classification: Uncertain significance for Microcephaly-intellectual disability-sensorineural hearing loss-epilepsy-abnormal muscle tone syndrome. Last evaluated: 2021-04-05. Review status: criteria provided, single submitter. Criteria: Invitae Variant Classification Sherloc (09022015). Collection method: clinical testing. Allele origin: germline.
Comment: In summary, the available evidence is currently insufficient to determine the role of this variant in disease. Therefore, it has been classified as a Variant of Uncertain Significance. Algorithms developed to predict the effect of missense changes on protein structure and function are either unavailable or do not agree on the potential impact of this missense change (SIFT: "Deleterious"; PolyPhen-2: "Possibly Damaging"; Align-GVGD: "Class C0"). This variant is not present in population databases (ExAC no frequency). This sequence change replaces serine with phenylalanine at codon 625 of the SPATA5 protein (p.Ser625Phe). The serine residue is highly conserved and there is a large physicochemical difference between serine and phenylalanine. This variant has not been reported in the literature in individuals with SPATA5-related conditions.

NM_145207.3(AFG2A):c.1874C>T (p.Ser625Phe)

Gene: AFG2A (AAA ATPase AFG2A; plus strand). Cytogenetic location: 4q28.1.
Variant type: single nucleotide variant.
Coding change: c.1874C>T on transcript NM_145207.3 (MANE Select); coding-DNA position 1874, C replaced by T.
Protein change: p.Ser625Phe; replaces serine 625 with phenylalanine.
Molecular consequence: missense variant.
Genome position (GRCh38, 1-based): chr4:123,028,190, C>T. VCF-style: chr4-123028190-C-T. GRCh37 (hg19) VCF-style: chr4-123949345-C-T.
Other names: c.1871C>T, p.Ser624Phe (NM_001317799.2, NM_001345856.2); short protein forms S625F, S624F.
Identifiers: ClinVar variation 1502973 (VCV001502973.7), dbSNP rs973894365, ClinGen allele CA104839709.